The following is an entry in ClinVar:

ClinVar aggregate classification (germline): Likely benign (0 of 4 stars; one submission).

Conditions:
CCAR2-related disorder. Also called: CCAR2-related condition.

Allele frequency attached by ClinVar (database versions not stated): gnomAD exomes 0.00038; ExAC 0.00074; ESP Exome Variant Server 0.00115; gnomAD 0.00165; 1000 Genomes Project 30x 0.00203; 1000 Genomes Project 0.00220.
gnomAD v4.1: 830 of 1,613,786 alleles (0.051%); highest among the groups gnomAD compares: African/African-American, 0.39%; 4 homozygotes.

Submission:

PreventionGenetics, part of Exact Sciences
Classification: Likely benign for CCAR2-related condition. Last evaluated: 2019-05-08. Review status: no assertion criteria provided. Collection method: clinical testing. Allele origin: germline.
Comment: This variant is classified as likely benign based on ACMG/AMP sequence variant interpretation guidelines (Richards et al. 2015 PMID: 25741868, with internal and published modifications).

NM_001393997.1(CCAR2):c.1730A>C (p.Glu577Ala)

Gene: CCAR2 (cell cycle and apoptosis regulator 2; plus strand). Cytogenetic location: 8p21.3.
Variant type: single nucleotide variant.
Coding change: c.1730A>C on transcript NM_001393997.1 (MANE Select); coding-DNA position 1730, A replaced by C.
Protein change: p.Glu577Ala; replaces glutamic acid 577 with alanine.
Molecular consequence: missense variant.
Genome position (GRCh38, 1-based): chr8:22,616,133, A>C. VCF-style: chr8-22616133-A-C. GRCh37 (hg19) VCF-style: chr8-22473646-A-C.
Other names: c.1730A>C, p.Glu577Ala (NM_001363068.2, NM_001363069.2, NM_021174.6); short protein forms E577A.
Identifiers: ClinVar variation 3041953 (VCV003041953.2), dbSNP rs143150726, ClinGen allele CA4670873.